The following is an entry in ClinVar:

NM_000135.4(FANCA):c.3311G>C (p.Arg1104Thr)

Gene: FANCA (FA complementation group A; minus strand). Cytogenetic location: 16q24.3.
Variant type: single nucleotide variant.
Coding change: c.3311G>C on transcript NM_000135.4 (MANE Select); coding-DNA position 3311, G replaced by C.
Protein change: p.Arg1104Thr; replaces arginine 1104 with threonine.
Molecular consequence: missense variant.
Genome position (GRCh38, 1-based): chr16:89,748,696, C>G on the plus strand (G>C on the coding strand, the complement: FANCA is on the minus strand). VCF-style: chr16-89748696-C-G. GRCh37 (hg19) VCF-style: chr16-89815104-C-G.
Other names: c.3311G>C, p.Arg1104Thr (NM_001286167.3); c.3311G>C (NM_000135.3); short protein forms R1104T.
Identifiers: ClinVar variation 2192627 (VCV002192627.2), dbSNP rs1378130381, ClinGen allele CA397486265.

ClinVar aggregate classification (germline): Uncertain significance. Review status: criteria provided, multiple submitters, no conflicts (2 of 4 stars). 2 submissions from 2 submitters: Uncertain significance (2). Last evaluated 2023-10-29.

Conditions:
Fanconi anemia (FA). Also called: Fanconi's anemia. Identifiers: Orphanet 84, MedGen C0015625, MeSH D005199, MONDO:0019391.

gnomAD v4.1: 2 of 1,614,172 alleles (0.00012%); highest among the groups gnomAD compares: South Asian, 0.0011%; no homozygotes.

Submissions (2):

Quest Diagnostics Nichols Institute San Juan Capistrano
Classification: Uncertain significance. Last evaluated: 2023-10-29. Review status: criteria provided, single submitter. Criteria: Quest Diagnostics criteria. Collection method: clinical testing. Allele origin: unknown.
Comment: The FANCA c.3311G>C (p.Arg1104Thr) variant has not been reported in individuals with FANCA-related conditions in the published literature. It also has not been reported in large, multi-ethnic general populations (Genome Aggregation Database). Analysis of this variant using bioinformatics tools for the prediction of the effect of amino acid changes on protein structure and function yielded predictions that this variant is benign. Based on the available information, we are unable to determine the clinical significance of this variant.

Labcorp Genetics (formerly Invitae), Labcorp
Classification: Uncertain significance for Fanconi anemia. Last evaluated: 2022-08-03. Review status: criteria provided, single submitter. Criteria: Invitae Variant Classification Sherloc (09022015). Collection method: clinical testing. Allele origin: germline.
Comment: This sequence change replaces arginine, which is basic and polar, with threonine, which is neutral and polar, at codon 1104 of the FANCA protein (p.Arg1104Thr). This variant is not present in population databases (gnomAD no frequency). This variant has not been reported in the literature in individuals affected with FANCA-related conditions. Advanced modeling of protein sequence and biophysical properties (such as structural, functional, and spatial information, amino acid conservation, physicochemical variation, residue mobility, and thermodynamic stability) performed at Invitae indicates that this missense variant is not expected to disrupt FANCA protein function. In summary, the available evidence is currently insufficient to determine the role of this variant in disease. Therefore, it has been classified as a Variant of Uncertain Significance.